The following is an entry in ClinVar:

ClinVar aggregate classification (germline): Uncertain significance (1 of 4 stars; one submission).

Conditions:
Developmental delay with short stature, dysmorphic facial features, and sparse hair. Also called: Developmental delay with short stature, dysmorphic features, and sparse hair. Identifiers: Orphanet 459061, MedGen C4310801, MONDO:0031632.

Allele frequency attached by ClinVar (database versions not stated): TOPMed below 0.00001.

Submission:

Baylor Genetics
Classification: Uncertain significance for Developmental delay with short stature, dysmorphic facial features, and sparse hair 1. Last evaluated: 2020-07-09. Review status: criteria provided, single submitter. Criteria: ACMG Guidelines, 2015. Collection method: clinical testing. Allele origin: unknown. Affected: yes.
Comment: This variant was determined to be of uncertain significance according to ACMG Guidelines, 2015 [PMID:25741868].

NM_001383.6(DPH1):c.752A>G (p.Tyr251Cys)

Gene: DPH1 (diphthamide biosynthesis 1; plus strand). Cytogenetic location: 17p13.3.
Variant type: single nucleotide variant.
Coding change: c.752A>G on transcript NM_001383.6 (MANE Select); coding-DNA position 752, A replaced by G.
Protein change: p.Tyr251Cys; replaces tyrosine 251 with cysteine.
Molecular consequence: missense variant. On other transcripts: non-coding transcript variant (3).
Genome position (GRCh38, 1-based): chr17:2,040,220, A>G. VCF-style: chr17-2040220-A-G. GRCh37 (hg19) VCF-style: chr17-1943514-A-G.
Other names: c.767A>G, p.Tyr256Cys (NM_001346574.1); c.734A>G, p.Tyr245Cys (NM_001346575.1); c.347A>G, p.Tyr116Cys (NM_001346576.2); short protein forms Y245C, Y116C, Y251C, Y256C.
Identifiers: ClinVar variation 1029333 (VCV001029333.1), dbSNP rs2067493837, ClinGen allele CA397604449.